The following is an entry in ClinVar:

ClinVar aggregate classification (germline): Likely benign. Review status: criteria provided, multiple submitters, no conflicts (2 of 4 stars). 6 submissions from 6 submitters: Likely benign (5). 1 of the submissions does not count toward it. Last evaluated 2026-01-09.

Conditions:
KMT2D-related disorder. Also called: KMT2D-Related Disorders.
Kabuki syndrome. Also called: NIIKAWA-KUROKI SYNDROME; Kabuki make-up syndrome. Identifiers: Orphanet 2322, MedGen C0796004, MONDO:0016512.

Allele frequency attached by ClinVar (database versions not stated): ExAC 0.00009; gnomAD exomes 0.00014 and 0.00018; gnomAD 0.00015; 1000 Genomes Project 30x 0.00016; ESP Exome Variant Server 0.00016; 1000 Genomes Project 0.00020; TOPMed 0.00020.
gnomAD v4.1: 280 of 1,554,048 alleles (0.018%); highest among the groups gnomAD compares: Admixed American, 0.07%; no homozygotes.

Submissions (6):

Labcorp Genetics (formerly Invitae), Labcorp
Classification: Likely benign for Kabuki syndrome. Last evaluated: 2026-01-09. Review status: criteria provided, single submitter. Criteria: Invitae Variant Classification Sherloc (09022015). Collection method: clinical testing. Allele origin: germline.

Blueprint Genetics
Classification: Likely benign. Last evaluated: 2024-08-15. Review status: criteria provided, single submitter. Criteria: ACMG Guidelines, 2015. Collection method: clinical testing. Allele origin: germline.

GeneDx
Classification: Likely benign. Last evaluated: 2020-08-05. Review status: criteria provided, single submitter. Criteria: GeneDx Variant Classification Process June 2021. Collection method: clinical testing. Allele origin: germline. Affected: yes.

Genetic Services Laboratory, University of Chicago
Classification: Likely benign. Last evaluated: 2016-11-07. Review status: criteria provided, single submitter. Criteria: ACMG Guidelines, 2015. Collection method: clinical testing. Allele origin: germline. Affected: no.

Breakthrough Genomics
Classification: Likely benign. Review status: criteria provided, single submitter. Criteria: ACMG Guidelines, 2015. Collection method: not provided. Allele origin: germline. Inheritance: Autosomal dominant inheritance. Affected: yes.

PreventionGenetics, part of Exact Sciences
Classification: Likely benign for KMT2D-related condition. Last evaluated: 2022-07-26. Review status: no assertion criteria provided. Collection method: clinical testing. Allele origin: germline. Not counted in ClinVar's aggregate classification.
Comment: This variant is classified as likely benign based on ACMG/AMP sequence variant interpretation guidelines (Richards et al. 2015 PMID: 25741868, with internal and published modifications).

NM_003482.4(KMT2D):c.11916G>A (p.Gln3972=)

Gene: KMT2D (lysine methyltransferase 2D; minus strand). Cytogenetic location: 12q13.12.
Variant type: single nucleotide variant.
Coding change: c.11916G>A on transcript NM_003482.4 (MANE Select); coding-DNA position 11916, G replaced by A.
Protein change: p.Gln3972=; no amino-acid change (glutamine 3972 retained).
Molecular consequence: synonymous variant.
Genome position (GRCh38, 1-based): chr12:49,032,789, C>T on the plus strand (G>A on the coding strand, the complement: KMT2D is on the minus strand). VCF-style: chr12-49032789-C-T. GRCh37 (hg19) VCF-style: chr12-49426572-C-T.
Identifiers: ClinVar variation 435662 (VCV000435662.22), dbSNP rs371224852, ClinGen allele CA6546275.